The following is an entry in ClinVar:

ClinVar aggregate classification (germline): Uncertain significance (1 of 4 stars; one submission).

Conditions:
Inborn genetic diseases. Identifiers: MedGen C0950123, MeSH D030342.

Submission:

Ambry Genetics
Classification: Uncertain significance for Inborn genetic diseases. Last evaluated: 2026-07-01. Review status: criteria provided, single submitter. Criteria: Ambry Variant Classification Scheme 2023. Collection method: clinical testing. Allele origin: germline.
Comment: The p.I629L variant (also known as c.1885A>C), located in coding exon 12 of the BMPR2 gene, results from an A to C substitution at nucleotide position 1885. The isoleucine at codon 629 is replaced by leucine, an amino acid with highly similar properties. This amino acid position is conserved. In addition, the in silico prediction for this alteration is inconclusive. Based on the available evidence, the clinical significance of this variant remains unclear.

NM_001204.7(BMPR2):c.1885A>C (p.Ile629Leu)

Gene: BMPR2 (bone morphogenetic protein receptor type 2; plus strand). Cytogenetic location: 2q33.2.
Variant type: single nucleotide variant.
Coding change: c.1885A>C on transcript NM_001204.7 (MANE Select); coding-DNA position 1885, A replaced by C.
Protein change: p.Ile629Leu; replaces isoleucine 629 with leucine.
Molecular consequence: missense variant.
Genome position (GRCh38, 1-based): chr2:202,555,550, A>C. VCF-style: chr2-202555550-A-C. GRCh37 (hg19) VCF-style: chr2-203420273-A-C.
Other names: short protein forms I629L.
Identifiers: ClinVar variation 5033074 (VCV005033074.1).